The following is an entry in ClinVar:

ClinVar aggregate classification (germline): Conflicting classifications of pathogenicity. Review status: criteria provided, conflicting classifications (1 of 4 stars). 2 submissions from 2 submitters: Uncertain significance (1); Likely benign (1). Last evaluated 2025-10-29.

Conditions:
Multiple cutaneous and mucosal venous malformations (VMCM). Also called: TEK-Related Multiple Cutaneous and Mucosal Venous Malformations (VMCM). Identifiers: Orphanet 2451, MedGen C1838437, MONDO:0010842, OMIM 600195.
Inborn genetic diseases. Identifiers: MedGen C0950123, MeSH D030342.

Allele frequency attached by ClinVar (database versions not stated): gnomAD 0.00002; TOPMed 0.00002; ExAC 0.00003; gnomAD exomes 0.00004.
gnomAD v4.1: 46 of 1,613,888 alleles (0.0029%); highest among the groups gnomAD compares: Middle Eastern, 0.033%; 2 homozygotes.

Submissions (2):

Ambry Genetics
Classification: Uncertain significance for Inborn genetic diseases. Last evaluated: 2025-10-29. Review status: criteria provided, single submitter. Criteria: Ambry Variant Classification Scheme 2023. Collection method: clinical testing. Allele origin: germline.
Comment: The c.484A>T (p.I162F) alteration is located in exon 4 (coding exon 4) of the TEK gene. This alteration results from a A to T substitution at nucleotide position 484, causing the isoleucine (I) at amino acid position 162 to be replaced by a phenylalanine (F). Based on data from gnomAD, the T allele has an overall frequency of 0.004% (11/251286) total alleles studied. The highest observed frequency was 0.029% (9/30616) of South Asian alleles. Based on insufficient or conflicting evidence, the clinical significance of this alteration remains unclear.

Illumina Laboratory Services, Illumina
Classification: Likely benign for Multiple cutaneous and mucosal venous malformations. Last evaluated: 2018-01-13. Review status: criteria provided, single submitter. Criteria: ICSL Variant Classification Criteria 13 December 2019. Collection method: clinical testing. Allele origin: germline.
Comment: This variant was observed in the ICSL laboratory as part of a predisposition screen in an ostensibly healthy population. It had not been previously curated by ICSL or reported in the Human Gene Mutation Database (HGMD: prior to June 1st, 2018), and was therefore a candidate for classification through an automated scoring system. Utilizing variant allele frequency, disease prevalence and penetrance estimates, and inheritance mode, an automated score was calculated to assess if this variant is too frequent to cause the disease. Based on the score and internal cut-off values, a variant classified as likely benign is not then subjected to further curation. The score for this variant resulted in a classification of likely benign for this disease.

NM_000459.5(TEK):c.484A>T (p.Ile162Phe)

Gene: TEK (TEK receptor tyrosine kinase; plus strand). Cytogenetic location: 9p21.2.
Variant type: single nucleotide variant.
Coding change: c.484A>T on transcript NM_000459.5 (MANE Select); coding-DNA position 484, A replaced by T.
Protein change: p.Ile162Phe; replaces isoleucine 162 with phenylalanine.
Molecular consequence: missense variant.
Genome position (GRCh38, 1-based): chr9:27,169,485, A>T. VCF-style: chr9-27169485-A-T. GRCh37 (hg19) VCF-style: chr9-27169483-A-T.
Other names: c.484A>T, p.Ile162Phe (NM_001290077.2, NM_001375475.1, NM_001375476.1); c.172A>T, p.Ile58Phe (NM_001290078.2); short protein forms I162F, I58F.
Identifiers: ClinVar variation 914142 (VCV000914142.5), dbSNP rs752000002, ClinGen allele CA5015941.